The following is an entry in ClinVar:

ClinVar aggregate classification (germline): Uncertain significance. Review status: criteria provided, multiple submitters, no conflicts (2 of 4 stars). 2 submissions from 2 submitters: Uncertain significance (2). Last evaluated 2024-03-09.

Conditions:
Hereditary cancer-predisposing syndrome. Also called: Neoplastic Syndromes, Hereditary; Hereditary Cancer Syndrome; Tumor predisposition; Hereditary neoplastic syndrome. Identifiers: Orphanet 140162, MedGen C0027672, MeSH D009386, MONDO:0015356.
Familial cancer of breast. Also called: Hereditary breast cancer; BREAST CANCER, FAMILIAL; hereditary breast carcinoma. Identifiers: Orphanet 227535, MedGen C0346153, MONDO:0016419, OMIM 114480. Disease mechanism: loss of function.
Fanconi anemia complementation group J. Also called: BRIP1-Related Fanconi Anemia. Identifiers: Orphanet 84, MedGen C1836860, MONDO:0012187, OMIM 609054.

Submissions (2):

Ambry Genetics
Classification: Uncertain significance for Hereditary cancer-predisposing syndrome. Last evaluated: 2024-03-09. Review status: criteria provided, single submitter. Criteria: Ambry Variant Classification Scheme 2023. Collection method: clinical testing. Allele origin: germline.
Comment: The p.E1222Q variant (also known as c.3664G>C), located in coding exon 19 of the BRIP1 gene, results from a G to C substitution at nucleotide position 3664. The glutamic acid at codon 1222 is replaced by glutamine, an amino acid with highly similar properties. This amino acid position is conserved. In addition, this alteration is predicted to be tolerated by in silico analysis. Based on the available evidence, the clinical significance of this alteration remains unclear.

Labcorp Genetics (formerly Invitae), Labcorp
Classification: Uncertain significance for Familial cancer of breast; Fanconi anemia complementation group J. Last evaluated: 2020-12-14. Review status: criteria provided, single submitter. Criteria: Invitae Variant Classification Sherloc (09022015). Collection method: clinical testing. Allele origin: germline.
Comment: In summary, the available evidence is currently insufficient to determine the role of this variant in disease. Therefore, it has been classified as a Variant of Uncertain Significance. Algorithms developed to predict the effect of missense changes on protein structure and function (SIFT, PolyPhen-2, Align-GVGD) all suggest that this variant is likely to be tolerated, but these predictions have not been confirmed by published functional studies and their clinical significance is uncertain. This variant has not been reported in the literature in individuals with BRIP1-related conditions. This variant is not present in population databases (ExAC no frequency). This sequence change replaces glutamic acid with glutamine at codon 1222 of the BRIP1 protein (p.Glu1222Gln). The glutamic acid residue is weakly conserved and there is a small physicochemical difference between glutamic acid and glutamine.

NM_032043.3(BRIP1):c.3664G>C (p.Glu1222Gln)

Gene: BRIP1 (BRCA1 interacting DNA helicase 1; minus strand). Cytogenetic location: 17q23.2.
Variant type: single nucleotide variant.
Coding change: c.3664G>C on transcript NM_032043.3 (MANE Select); coding-DNA position 3664, G replaced by C.
Protein change: p.Glu1222Gln; replaces glutamic acid 1222 with glutamine.
Molecular consequence: missense variant.
Genome position (GRCh38, 1-based): chr17:61,683,382, C>G on the plus strand (G>C on the coding strand, the complement: BRIP1 is on the minus strand). VCF-style: chr17-61683382-C-G. GRCh37 (hg19) VCF-style: chr17-59760743-C-G.
Other names: c.3664G>C (NM_032043.2); short protein forms E1222Q.
Identifiers: ClinVar variation 1461310 (VCV001461310.10), dbSNP rs2144068196, ClinGen allele CA400477872.